The following is an entry in ClinVar:

ClinVar aggregate classification (germline): Likely benign. Review status: criteria provided, single submitter (1 of 4 stars). 2 submissions from 2 submitters: Likely benign (1). 1 of the submissions does not count toward it. Last evaluated 2025-09-22.

Conditions:
ALPI-related disorder. Also called: ALPI-related condition.

Allele frequency attached by ClinVar (database versions not stated): ESP Exome Variant Server 0.00200; ExAC 0.00253; 1000 Genomes Project 0.00020; 1000 Genomes Project 30x 0.00047; gnomAD 0.00258.

Submissions (2):

Mayo Clinic Laboratories, Mayo Clinic
Classification: Likely benign. Last evaluated: 2025-09-22. Review status: criteria provided, single submitter. Criteria: ACMG Guidelines, 2015. Collection method: clinical testing. Allele origin: germline. Observed: 5 variant alleles.
Comment: BS2, BP4, BP7

PreventionGenetics, part of Exact Sciences
Classification: Likely benign for ALPI-related condition. Last evaluated: 2019-10-28. Review status: no assertion criteria provided. Collection method: clinical testing. Allele origin: germline. Not counted in ClinVar's aggregate classification.
Comment: This variant is classified as likely benign based on ACMG/AMP sequence variant interpretation guidelines (Richards et al. 2015 PMID: 25741868, with internal and published modifications).

NM_001631.5(ALPI):c.-7C>G

Gene: ALPI (alkaline phosphatase, intestinal; plus strand). Cytogenetic location: 2q37.1.
Variant type: single nucleotide variant.
Coding change: c.-7C>G on transcript NM_001631.5 (MANE Select); 7 bases upstream of the start codon, C replaced by G.
Molecular consequence: 5 prime UTR variant.
Genome position (GRCh38, 1-based): chr2:232,456,193, C>G. VCF-style: chr2-232456193-C-G. GRCh37 (hg19) VCF-style: chr2-233320903-C-G.
Identifiers: ClinVar variation 3042489 (VCV003042489.3), dbSNP rs73007641, ClinGen allele CA2166198.
Genomic context (GRCh38, chr2:232,456,193, plus strand): 5'-CAGGCAGCCTGCGCTGCAGCCGGTTCCTGGTGTCCCCACTTCGCCTCCCTCCTGCTGCCC[C>G]CAAGACATGCAGGGGCCCTGGGTGCTGCTGCTGCTGGGCCTGAGGCTACAGCTCTCCCTG-3'